The following is an entry in ClinVar:

ClinVar aggregate classification (germline): Pathogenic. Review status: criteria provided, multiple submitters, no conflicts (2 of 4 stars). 2 submissions from 2 submitters: Pathogenic (2). Last evaluated 2025-05-21.

Conditions:
Multiple congenital anomalies-hypotonia-seizures syndrome 1 (MCAHS1). Also called: GLYCOSYLPHOSPHATIDYLINOSITOL BIOSYNTHESIS DEFECT 3; PIGN-CDG; Congenital disorder of glycosylation due to PIGN deficiency. Identifiers: Orphanet 280633, MedGen C3279775, MONDO:0013563, OMIM 614080.

Allele frequency attached by ClinVar (database versions not stated): gnomAD exomes below 0.00001; ExAC 0.00001.
gnomAD v4.1: 1 of 1,608,446 alleles (0.000062%); highest among the groups gnomAD compares: South Asian, 0.0011%; no homozygotes.

Submissions (2):

GeneDx
Classification: Pathogenic. Last evaluated: 2025-05-21. Review status: criteria provided, single submitter. Criteria: GeneDx Variant Classification Process June 2021. Collection method: clinical testing. Allele origin: germline. Affected: yes.
Comment: Has not been previously published as pathogenic or benign to our knowledge; Nonsense variant predicted to result in protein truncation or nonsense mediated decay in a gene for which loss of function is a known mechanism of disease; Not observed at significant frequency in large population cohorts (gnomAD)

Labcorp Genetics (formerly Invitae), Labcorp
Classification: Pathogenic for Multiple congenital anomalies-hypotonia-seizures syndrome 1. Last evaluated: 2023-03-04. Review status: criteria provided, single submitter. Criteria: Invitae Variant Classification Sherloc (09022015). Collection method: clinical testing. Allele origin: germline.
Comment: For these reasons, this variant has been classified as Pathogenic. This variant has not been reported in the literature in individuals affected with PIGN-related conditions. The frequency data for this variant in the population databases is considered unreliable, as metrics indicate poor data quality at this position in the gnomAD database. This sequence change creates a premature translational stop signal (p.Glu240*) in the PIGN gene. It is expected to result in an absent or disrupted protein product. Loss-of-function variants in PIGN are known to be pathogenic (PMID: 24253414, 27038415).

Literature cited by the submitters: PubMed 24253414 (cited by Labcorp Genetics (formerly Invitae), Labcorp); PubMed 27038415 (cited by Labcorp Genetics (formerly Invitae), Labcorp).

NM_176787.5(PIGN):c.718G>T (p.Glu240Ter)

Gene: PIGN (phosphatidylinositol glycan anchor biosynthesis class N; minus strand). Cytogenetic location: 18q21.33.
Variant type: single nucleotide variant.
Coding change: c.718G>T on transcript NM_176787.5 (MANE Select); coding-DNA position 718, G replaced by T.
Protein change: p.Glu240Ter; replaces glutamic acid 240 with a stop codon.
Molecular consequence: nonsense.
Genome position (GRCh38, 1-based): chr18:62,147,058, C>A on the plus strand (G>T on the coding strand, the complement: PIGN is on the minus strand). VCF-style: chr18-62147058-C-A. GRCh37 (hg19) VCF-style: chr18-59814291-C-A.
Other names: c.718G>T (NM_176787.4); c.718G>T, p.Glu240Ter (NM_012327.6); short protein forms E240*.
Identifiers: ClinVar variation 2970903 (VCV002970903.4), dbSNP rs768712648, ClinGen allele CA8982521.